The following is an entry in ClinVar:

ClinVar aggregate classification (germline): Pathogenic/Likely pathogenic. Review status: criteria provided, multiple submitters, no conflicts (2 of 4 stars). 2 submissions from 2 submitters: Pathogenic (1); Likely pathogenic (1). Last evaluated 2024-04-05.

Conditions:
Werner syndrome (WRN). Identifiers: Orphanet 902, MedGen C0043119, MONDO:0010196, OMIM 277700.

Submissions (2):

Labcorp Genetics (formerly Invitae), Labcorp
Classification: Pathogenic for Werner syndrome. Last evaluated: 2024-04-05. Review status: criteria provided, single submitter. Criteria: Invitae Variant Classification Sherloc (09022015). Collection method: clinical testing. Allele origin: germline.
Comment: This sequence change creates a premature translational stop signal (p.Lys1237Asnfs*11) in the WRN gene. It is expected to result in an absent or disrupted protein product. Loss-of-function variants in WRN are known to be pathogenic (PMID: 16673358). This variant is not present in population databases (gnomAD no frequency). This variant has not been reported in the literature in individuals affected with WRN-related conditions. ClinVar contains an entry for this variant (Variation ID: 577673). For these reasons, this variant has been classified as Pathogenic.

Baylor Genetics
Classification: Likely pathogenic for Werner syndrome. Last evaluated: 2024-03-14. Review status: criteria provided, single submitter. Criteria: ACMG Guidelines, 2015. Collection method: clinical testing. Allele origin: unknown.

Literature cited by the submitters: PubMed 16673358 (cited by Labcorp Genetics (formerly Invitae), Labcorp).

NM_000553.6(WRN):c.3711del (p.Lys1237fs)

Gene: WRN (WRN RecQ like helicase; plus strand). Cytogenetic location: 8p12.
Variant type: Deletion.
Coding change: c.3711del on transcript NM_000553.6 (MANE Select); coding-DNA position 3711, one base deleted (A; older notation c.3711delA).
Protein change: p.Lys1237fs; shifts the reading frame from lysine 1237.
Molecular consequence: frameshift variant.
Genome position (GRCh38, 1-based): chr8:31,154,647, A deleted; the last of 4 consecutive A bases (chr8:31,154,644-31,154,647); deleting any one gives the same sequence. VCF-style (leftmost placement, unchanged base first): chr8-31154643-CA-C. GRCh37 (hg19) VCF-style: chr8-31012159-CA-C.
Other names: c.3711del (NM_000553.4); short protein forms K1237fs.
Identifiers: ClinVar variation 577673 (VCV000577673.9), dbSNP rs1563385391, ClinGen allele CA891842974.